The following is an entry in ClinVar:

ClinVar aggregate classification (germline): Pathogenic (1 of 4 stars; one submission).

Conditions:
Melnick-Needles syndrome (MNS). Also called: MELNICK-NEEDLES OSTEODYSPLASTY; OSTEODYSPLASTY OF MELNICK AND NEEDLES; Melnick-Needles Syndrome (FLNA-MNS). Identifiers: Orphanet 2484, MedGen C0025237, MONDO:0010650, OMIM 309350.
Frontometaphyseal dysplasia (FMD1). Identifiers: Orphanet 1826, MedGen C0265293, MONDO:0015942.
Heterotopia, periventricular, X-linked dominant (PVNH1). Also called: PERIVENTRICULAR NODULAR HETEROTOPIA 1; X-linked periventricular heterotopia; PERIVENTRICULAR NODULAR HETEROTOPIA 4; HETEROTOPIA, PERIVENTRICULAR, 1. Identifiers: Orphanet 2149, Orphanet 82004, MedGen C1848213, MONDO:0010233, OMIM 300049.
Oto-palato-digital syndrome, type II (OPD2). Also called: FACIOPALATOOSSEOUS SYNDROME; OPD II SYNDROME; Otopalatodigital Syndrome, Type II; Otopalatodigital Syndrome Type 2 (FLNA-OPD2). Identifiers: Orphanet 669, Orphanet 90652, MedGen C1844696, MONDO:0010571, OMIM 304120.

Submission:

Labcorp Genetics (formerly Invitae), Labcorp
Classification: Pathogenic for Oto-palato-digital syndrome, type II; Heterotopia, periventricular, X-linked dominant; Frontometaphyseal dysplasia; Melnick-Needles syndrome. Last evaluated: 2024-11-21. Review status: criteria provided, single submitter. Criteria: Invitae Variant Classification Sherloc (09022015). Collection method: clinical testing. Allele origin: germline.
Comment: This sequence change affects a donor splice site in intron 33 of the FLNA gene. It is expected to disrupt RNA splicing. Variants that disrupt the donor or acceptor splice site typically lead to a loss of protein function (PMID: 16199547), and loss-of-function variants in FLNA are known to be pathogenic (PMID: 16684786, 20730588, 26471271). This variant is not present in population databases (gnomAD no frequency). Disruption of this splice site has been observed in individual(s) with FLNA-related conditions (internal data). Algorithms developed to predict the effect of sequence changes on RNA splicing suggest that this variant may disrupt the consensus splice site. For these reasons, this variant has been classified as Pathogenic.

Literature cited by the submitters: PubMed 16199547; PubMed 16684786; PubMed 20730588; PubMed 26471271.

NM_001110556.2(FLNA):c.5557+2T>G

Gene: FLNA (filamin A; minus strand). Cytogenetic location: Xq28.
Variant type: single nucleotide variant.
Coding change: c.5557+2T>G on transcript NM_001110556.2 (MANE Select); the canonical splice donor site of the intron after coding-DNA position 5557, T replaced by G.
Molecular consequence: splice donor variant.
Genome position (GRCh38, 1-based): chrX:154,354,149, A>C on the plus strand (T>G on the coding strand, the complement: FLNA is on the minus strand). VCF-style: chrX-154354149-A-C. GRCh37 (hg19) VCF-style: chrX-153582517-A-C.
Other names: c.5533+2T>G (NM_001456.4).
Identifiers: ClinVar variation 3759850 (VCV003759850.2).